The following is an entry in ClinVar:

NM_002900.3(RBP3):c.3238G>A (p.Asp1080Asn)

Gene: RBP3 (retinol binding protein 3; plus strand). Cytogenetic location: 10q11.22.
Variant type: single nucleotide variant.
Coding change: c.3238G>A on transcript NM_002900.3 (MANE Select); coding-DNA position 3238, G replaced by A.
Protein change: p.Asp1080Asn; replaces aspartic acid 1080 with asparagine.
Molecular consequence: missense variant.
Genome position (GRCh38, 1-based): chr10:47,353,508, G>A. VCF-style: chr10-47353508-G-A. GRCh37 (hg19) VCF-style: chr10-48385854-C-T.
Other names: short protein forms D1080N.
Identifiers: ClinVar variation 50368 (VCV000050368.9), dbSNP rs146150511, ClinGen allele CA344701.

ClinVar aggregate classification (germline): Conflicting classifications of pathogenicity. Review status: criteria provided, conflicting classifications (1 of 4 stars). 4 submissions from 4 submitters: Pathogenic (1); Uncertain significance (1). 2 of the submissions do not count toward it. Last evaluated 2023-09-25.

Conditions:
Retinitis pigmentosa 66 (RP66). Identifiers: Orphanet 791, MedGen C3715216, MONDO:0014093, OMIM 615233.

Allele frequency attached by ClinVar (database versions not stated): gnomAD exomes below 0.00001 and 0.00001; gnomAD 0.00001; TOPMed 0.00001; ESP Exome Variant Server 0.00008.

Submissions (4):

Labcorp Genetics (formerly Invitae), Labcorp
Classification: Pathogenic. Last evaluated: 2023-09-25. Review status: criteria provided, single submitter. Criteria: Invitae Variant Classification Sherloc (09022015). Collection method: clinical testing. Allele origin: germline.
Comment: This sequence change replaces aspartic acid, which is acidic and polar, with asparagine, which is neutral and polar, at codon 1080 of the RBP3 protein (p.Asp1080Asn). This variant is present in population databases (rs146150511, gnomAD 0.007%). This missense change has been observed in individual(s) with retinitis pigmentosa (PMID: 19074801). It has also been observed to segregate with disease in related individuals. ClinVar contains an entry for this variant (Variation ID: 50368). An algorithm developed to predict the effect of missense changes on protein structure and function (PolyPhen-2) suggests that this variant is likely to be disruptive. Experimental studies have shown that this missense change affects RBP3 function (PMID: 23486466). For these reasons, this variant has been classified as Pathogenic.

Blueprint Genetics
Classification: Uncertain significance. Last evaluated: 2021-09-28. Review status: criteria provided, single submitter. Criteria: ACMG Guidelines, 2015. Collection method: clinical testing. Allele origin: germline.

ClinVar Staff, National Center for Biotechnology Information (NCBI)
Classification: Pathogenic for Retinitis pigmentosa 66. Last evaluated: 2013-06-27. Review status: no assertion criteria provided. Collection method: literature only. Allele origin: germline. Affected: yes. Not counted in ClinVar's aggregate classification.

OMIM
Classification: Pathogenic for RETINITIS PIGMENTOSA 66 (1 family). Last evaluated: 2013-04-19. Review status: no assertion criteria provided. Collection method: literature only. Allele origin: germline. Not counted in ClinVar's aggregate classification.

Literature cited by the submitters: PubMed 19074801 (cited by 3 submitters); PubMed 23486466 (cited by Labcorp Genetics (formerly Invitae), Labcorp and OMIM).